The following is an entry in ClinVar:

NM_001851.6(COL9A1):c.2113-4C>T

Gene: COL9A1 (collagen type IX alpha 1 chain; minus strand). Cytogenetic location: 6q13.
Variant type: single nucleotide variant.
Coding change: c.2113-4C>T on transcript NM_001851.6 (MANE Select); 4 bases into the intron before coding-DNA position 2113, C replaced by T.
Molecular consequence: intron variant.
Genome position (GRCh38, 1-based): chr6:70,234,944, G>A on the plus strand (C>T on the coding strand, the complement: COL9A1 is on the minus strand). VCF-style: chr6-70234944-G-A. GRCh37 (hg19) VCF-style: chr6-70944647-G-A.
Other names: c.1384-351C>T (NM_001377290.1); c.1384-4C>T (NM_078485.4); c.1414-4C>T (NM_001377289.1).
Identifiers: ClinVar variation 509915 (VCV000509915.1), dbSNP rs1554234147, ClinGen allele CA658796784.

ClinVar aggregate classification (germline): Likely benign (1 of 4 stars; one submission).

Allele frequency attached by ClinVar (database versions not stated): gnomAD exomes below 0.00001.
gnomAD v4.1: 1 of 1,614,106 alleles (0.000062%); highest among the groups gnomAD compares: Non-Finnish European, 0.000085%; no homozygotes.

Submission:

GeneDx
Classification: Likely benign. Last evaluated: 2017-05-26. Review status: criteria provided, single submitter. Criteria: GeneDx Variant Classification (06012015). Collection method: clinical testing. Allele origin: germline. Affected: yes.
Comment: This variant is considered likely benign or benign based on one or more of the following criteria: it is a conservative change, it occurs at a poorly conserved position in the protein, it is predicted to be benign by multiple in silico algorithms, and/or has population frequency not consistent with disease.